The following is an entry in ClinVar:

NM_003470.3(USP7):c.2755C>T (p.Arg919Trp)

Gene: USP7 (ubiquitin specific peptidase 7; minus strand). Cytogenetic location: 16p13.2.
Variant type: single nucleotide variant.
Coding change: c.2755C>T on transcript NM_003470.3 (MANE Select); coding-DNA position 2755, C replaced by T.
Protein change: p.Arg919Trp; replaces arginine 919 with tryptophan.
Molecular consequence: missense variant. On other transcripts: non-coding transcript variant (1).
Genome position (GRCh38, 1-based): chr16:8,897,063, G>A on the plus strand (C>T on the coding strand, the complement: USP7 is on the minus strand). VCF-style: chr16-8897063-G-A. GRCh37 (hg19) VCF-style: chr16-8990920-G-A.
Other names: c.2755C>T (NM_003470.2); c.2707C>T, p.Arg903Trp (NM_001286457.2); c.2458C>T, p.Arg820Trp (NM_001286458.2); c.2581C>T, p.Arg861Trp (NM_001321858.2); short protein forms R861W, R919W, R820W, R903W.
Identifiers: ClinVar variation 2066962 (VCV002066962.5), dbSNP rs2549216512, ClinGen allele CA394697007.

ClinVar aggregate classification (germline): Uncertain significance. Review status: criteria provided, multiple submitters, no conflicts (2 of 4 stars). 2 submissions from 2 submitters: Uncertain significance (2). Last evaluated 2026-03-19.

Conditions:
Inborn genetic diseases. Identifiers: MedGen C0950123, MeSH D030342.

Allele frequency attached by ClinVar (database versions not stated): gnomAD exomes below 0.00001.
gnomAD v4.1: 2 of 1,613,968 alleles (0.00012%); highest among the groups gnomAD compares: Admixed American, 0.0017%; no homozygotes.

Submissions (2):

Ambry Genetics
Classification: Uncertain significance for Inborn genetic diseases. Last evaluated: 2026-03-19. Review status: criteria provided, single submitter. Criteria: Ambry Variant Classification Scheme 2023. Collection method: clinical testing. Allele origin: germline.

Labcorp Genetics (formerly Invitae), Labcorp
Classification: Uncertain significance. Last evaluated: 2022-08-24. Review status: criteria provided, single submitter. Criteria: Invitae Variant Classification Sherloc (09022015). Collection method: clinical testing. Allele origin: germline.
Comment: This sequence change replaces arginine, which is basic and polar, with tryptophan, which is neutral and slightly polar, at codon 919 of the USP7 protein (p.Arg919Trp). This variant is not present in population databases (gnomAD no frequency). This variant has not been reported in the literature in individuals affected with USP7-related conditions. Algorithms developed to predict the effect of missense changes on protein structure and function are either unavailable or do not agree on the potential impact of this missense change (SIFT: "Deleterious"; PolyPhen-2: "Possibly Damaging"; Align-GVGD: "Class C0"). In summary, the available evidence is currently insufficient to determine the role of this variant in disease. Therefore, it has been classified as a Variant of Uncertain Significance.